The following is an entry in ClinVar:

ClinVar aggregate classification (germline): Uncertain significance (1 of 4 stars; one submission).

Conditions:
Nemaline myopathy 10 (NEM10). Identifiers: MedGen C4015360, MONDO:0014513, OMIM 616165.

Submission:

Labcorp Genetics (formerly Invitae), Labcorp
Classification: Uncertain significance for Nemaline myopathy 10. Last evaluated: 2022-02-04. Review status: criteria provided, single submitter. Criteria: Invitae Variant Classification Sherloc (09022015). Collection method: clinical testing. Allele origin: germline.
Comment: In summary, the available evidence is currently insufficient to determine the role of this variant in disease. Therefore, it has been classified as a Variant of Uncertain Significance. Algorithms developed to predict the effect of missense changes on protein structure and function are either unavailable or do not agree on the potential impact of this missense change (SIFT: "Deleterious"; PolyPhen-2: "Probably Damaging"; Align-GVGD: "Class C0"). ClinVar contains an entry for this variant (Variation ID: 654151). This variant has not been reported in the literature in individuals affected with LMOD3-related conditions. This variant is not present in population databases (gnomAD no frequency). This sequence change replaces arginine, which is basic and polar, with leucine, which is neutral and non-polar, at codon 495 of the LMOD3 protein (p.Arg495Leu).

NM_198271.5(LMOD3):c.1484G>T (p.Arg495Leu)

Gene: LMOD3 (leiomodin 3; minus strand). Cytogenetic location: 3p14.1.
Variant type: single nucleotide variant.
Coding change: c.1484G>T on transcript NM_198271.5 (MANE Select); coding-DNA position 1484, G replaced by T.
Protein change: p.Arg495Leu; replaces arginine 495 with leucine.
Molecular consequence: missense variant.
Genome position (GRCh38, 1-based): chr3:69,118,871, C>A on the plus strand (G>T on the coding strand, the complement: LMOD3 is on the minus strand). VCF-style: chr3-69118871-C-A. GRCh37 (hg19) VCF-style: chr3-69168022-C-A.
Other names: c.1484G>T, p.Arg495Leu (NM_001304418.3); short protein forms R495L.
Identifiers: ClinVar variation 654151 (VCV000654151.5), dbSNP rs780071005, ClinGen allele CA353470285.